The following is an entry in ClinVar:

ClinVar aggregate classification (germline): Uncertain significance. Review status: criteria provided, multiple submitters, no conflicts (2 of 4 stars). 2 submissions from 2 submitters: Uncertain significance (2). Last evaluated 2024-07-23.

Conditions:
Hereditary cancer-predisposing syndrome. Also called: Neoplastic Syndromes, Hereditary; Hereditary neoplastic syndrome; Tumor predisposition; Hereditary Cancer Syndrome. Identifiers: Orphanet 140162, MedGen C0027672, MeSH D009386, MONDO:0015356.
Multiple endocrine neoplasia type 4. Also called: MULTIPLE ENDOCRINE NEOPLASIA, TYPE IV. Identifiers: Orphanet 276152, MedGen C1970712, MONDO:0012552, OMIM 610755.

Allele frequency attached by ClinVar (database versions not stated): gnomAD exomes below 0.00001; TOPMed 0.00001.
gnomAD v4.1: 2 of 1,613,988 alleles (0.00012%); highest among the groups gnomAD compares: South Asian, 0.0022%; no homozygotes.

Submissions (2):

Ambry Genetics
Classification: Uncertain significance for Hereditary cancer-predisposing syndrome. Last evaluated: 2024-07-23. Review status: criteria provided, single submitter. Criteria: Ambry Variant Classification Scheme 2023. Collection method: clinical testing. Allele origin: germline.
Comment: The p.Q104R variant (also known as c.311A>G), located in coding exon 1 of the CDKN1B gene, results from an A to G substitution at nucleotide position 311. The glutamine at codon 104 is replaced by arginine, an amino acid with highly similar properties. This amino acid position is conserved. In addition, this alteration is predicted to be tolerated by in silico analysis. Based on the available evidence, the clinical significance of this variant remains unclear.

Labcorp Genetics (formerly Invitae), Labcorp
Classification: Uncertain significance for Multiple endocrine neoplasia type 4. Last evaluated: 2020-03-04. Review status: criteria provided, single submitter. Criteria: Invitae Variant Classification Sherloc (09022015). Collection method: clinical testing. Allele origin: germline.
Comment: In summary, the available evidence is currently insufficient to determine the role of this variant in disease. Therefore, it has been classified as a Variant of Uncertain Significance. Algorithms developed to predict the effect of missense changes on protein structure and function (SIFT, PolyPhen-2, Align-GVGD) all suggest that this variant is likely to be tolerated, but these predictions have not been confirmed by published functional studies and their clinical significance is uncertain. This variant has not been reported in the literature in individuals with CDKN1B-related disease. This variant is not present in population databases (ExAC no frequency). This sequence change replaces glutamine with arginine at codon 104 of the CDKN1B protein (p.Gln104Arg). The glutamine residue is highly conserved and there is a small physicochemical difference between glutamine and arginine.

NM_004064.5(CDKN1B):c.311A>G (p.Gln104Arg)

Gene: CDKN1B (cyclin dependent kinase inhibitor 1B; plus strand). Cytogenetic location: 12p13.1.
Variant type: single nucleotide variant.
Coding change: c.311A>G on transcript NM_004064.5 (MANE Select); coding-DNA position 311, A replaced by G.
Protein change: p.Gln104Arg; replaces glutamine 104 with arginine.
Molecular consequence: missense variant.
Genome position (GRCh38, 1-based): chr12:12,718,150, A>G. VCF-style: chr12-12718150-A-G. GRCh37 (hg19) VCF-style: chr12-12871084-A-G.
Other names: c.311A>G (NM_004064.3); short protein forms Q104R.
Identifiers: ClinVar variation 662764 (VCV000662764.13), dbSNP rs1204233029, ClinGen allele CA383970171.